The following is an entry in ClinVar:

ClinVar aggregate classification (germline): Conflicting classifications of pathogenicity. Review status: criteria provided, conflicting classifications (1 of 4 stars). 4 submissions from 3 submitters: Uncertain significance (1); Likely benign (3). Last evaluated 2025-11-10.

Conditions:
Cardiovascular phenotype. Identifiers: MedGen CN230736.
Tangier disease (TGD). Also called: HIGH DENSITY LIPOPROTEIN DEFICIENCY, TANGIER TYPE; HIGH DENSITY LIPOPROTEIN DEFICIENCY, TYPE 1; Cholesterol thesaurismosis. Identifiers: Orphanet 31150, MedGen C0039292, MONDO:0008783, OMIM 205400.
Hypoalphalipoproteinemia, primary, 1. Identifiers: Orphanet 425, MedGen C5231558, MONDO:0011393, OMIM 604091.

Allele frequency attached by ClinVar (database versions not stated): gnomAD exomes 0.00001 and 0.00002; ExAC 0.00002; TOPMed 0.00003.

Submissions (4):

Labcorp Genetics (formerly Invitae), Labcorp
Classification: Likely benign. Last evaluated: 2025-11-10. Review status: criteria provided, single submitter. Criteria: Invitae Variant Classification Sherloc (09022015). Collection method: clinical testing. Allele origin: germline.

Ambry Genetics
Classification: Likely benign for Cardiovascular phenotype. Last evaluated: 2021-09-10. Review status: criteria provided, single submitter. Criteria: Ambry Variant Classification Scheme 2023. Collection method: clinical testing. Allele origin: germline.

Illumina Laboratory Services, Illumina
Classification: Likely benign for Hypoalphalipoproteinemia, primary, 1. Last evaluated: 2018-01-13. Review status: criteria provided, single submitter. Criteria: ICSL Variant Classification Criteria 13 December 2019. Collection method: clinical testing. Allele origin: germline.
Comment: This variant was observed in the ICSL laboratory as part of a predisposition screen in an ostensibly healthy population. It had not been previously curated by ICSL or reported in the Human Gene Mutation Database (HGMD: prior to June 1st, 2018), and was therefore a candidate for classification through an automated scoring system. Utilizing variant allele frequency, disease prevalence and penetrance estimates, and inheritance mode, an automated score was calculated to assess if this variant is too frequent to cause the disease. Based on the score and internal cut-off values, a variant classified as likely benign is not then subjected to further curation. The score for this variant resulted in a classification of likely benign for this disease.

Illumina Laboratory Services, Illumina
Classification: Uncertain significance for Tangier disease. Last evaluated: 2018-01-13. Review status: criteria provided, single submitter. Criteria: ICSL Variant Classification Criteria 13 December 2019. Collection method: clinical testing. Allele origin: germline.

NM_005502.4(ABCA1):c.4161G>A (p.Gln1387=)

Gene: ABCA1 (ATP binding cassette subfamily A member 1; minus strand). Cytogenetic location: 9q31.1.
Variant type: single nucleotide variant.
Coding change: c.4161G>A on transcript NM_005502.4 (MANE Select); coding-DNA position 4161, G replaced by A.
Protein change: p.Gln1387=; no amino-acid change (glutamine 1387 retained).
Molecular consequence: synonymous variant.
Genome position (GRCh38, 1-based): chr9:104,810,814, C>T on the plus strand (G>A on the coding strand, the complement: ABCA1 is on the minus strand). VCF-style: chr9-104810814-C-T. GRCh37 (hg19) VCF-style: chr9-107573095-C-T.
Identifiers: ClinVar variation 364405 (VCV000364405.10), dbSNP rs200409979, ClinGen allele CA5168231.